The following is an entry in ClinVar:

NC_000003.12:g.169764945G>C

Genes: TERC (telomerase RNA component; minus strand), LOC110806306 (telomerase RNA component (TERC) promoter; plus strand). Cytogenetic location: 3q26.2.
Variant type: single nucleotide variant.
Genome position: GRCh38 VCF-style: chr3-169764945-G-C. GRCh37 (hg19) VCF-style: chr3-169482733-G-C.
Identifiers: ClinVar variation 2105746 (VCV002105746.4), dbSNP rs199422272, ClinGen allele CA436715755.

ClinVar aggregate classification (germline): Uncertain significance (1 of 4 stars; one submission).

Conditions:
Dyskeratosis congenita, autosomal dominant 1 (DKCA1). Also called: Dyskeratosis congenita Scoggins type. Identifiers: Orphanet 1775, MedGen C4551974, MONDO:0007485, OMIM 127550. Inheritance: Variable.

Submission:

Labcorp Genetics (formerly Invitae), Labcorp
Classification: Uncertain significance for Dyskeratosis congenita, autosomal dominant 1. Last evaluated: 2022-03-02. Review status: criteria provided, single submitter. Criteria: Invitae Variant Classification Sherloc (09022015). Collection method: clinical testing. Allele origin: germline.
Comment: In summary, the available evidence is currently insufficient to determine the role of this variant in disease. Therefore, it has been classified as a Variant of Uncertain Significance. This variant is located in a region of TERC in which a significant number of disease causing variants have been reported (PMID: 15082312, 21844345, 21931702). These observations suggest that this may be a clinically significant region. This variant has not been reported in the literature in individuals affected with TERC-related conditions. This variant is not present in population databases (gnomAD no frequency). This variant occurs in the TERC gene, which encodes an RNA molecule that does not result in a protein product. This variant is located within the conserved regions 4 and 5 (CR4-CR5) domain of the TERC RNA component, which is required for telomerase activity (PMID: 15082312, 21844345).

Literature cited by the submitters: PubMed 15082312; PubMed 21844345; PubMed 21931702.